The following is an entry in ClinVar:

NM_001355436.2(SPTB):c.131G>A (p.Arg44Gln)

Gene: SPTB (spectrin beta, erythrocytic; minus strand). Cytogenetic location: 14q23.3.
Variant type: single nucleotide variant.
Coding change: c.131G>A on transcript NM_001355436.2 (MANE Select); coding-DNA position 131, G replaced by A.
Protein change: p.Arg44Gln; replaces arginine 44 with glutamine.
Molecular consequence: missense variant.
Genome position (GRCh38, 1-based): chr14:64,822,964, C>T on the plus strand (G>A on the coding strand, the complement: SPTB is on the minus strand). VCF-style: chr14-64822964-C-T. GRCh37 (hg19) VCF-style: chr14-65289682-C-T.
Other names: c.131G>A, p.Arg44Gln (NM_001024858.4, NM_001355437.2); short protein forms R44Q.
Identifiers: ClinVar variation 4080284 (VCV004080284.2).

ClinVar aggregate classification (germline): Uncertain significance. Review status: criteria provided, multiple submitters, no conflicts (2 of 4 stars). 2 submissions from 2 submitters: Uncertain significance (2). Last evaluated 2025-04-09.

gnomAD v4.1: 3 of 1,613,724 alleles (0.00019%); highest among the groups gnomAD compares: East Asian, 0.0022%; no homozygotes.

Submissions (2):

ARUP Laboratories, Molecular Genetics and Genomics, ARUP Laboratories
Classification: Uncertain significance. Last evaluated: 2025-04-09. Review status: criteria provided, single submitter. Criteria: ARUP Molecular Germline Variant Investigation Process 2024. Collection method: clinical testing. Allele origin: germline.
Comment: The SPTB c.131G>A; p.Arg44Gln variant (rs1351487127), to our knowledge, is not reported in the medical literature or gene specific databases. This variant is only observed on one allele in the Genome Aggregation Database (v2.1.1), indicating it is not a common polymorphism. Computational analyses are uncertain whether this variant is neutral or deleterious (REVEL: 0.497). Due to limited information, the clinical significance of this variant is uncertain at this time.

Revvity Omics, Revvity
Classification: Uncertain significance. Last evaluated: 2024-08-02. Review status: criteria provided, single submitter. Criteria: ACMG Guidelines, 2015. Collection method: clinical testing. Allele origin: germline.